The following is an entry in ClinVar:

ClinVar aggregate classification (germline): Uncertain significance (1 of 4 stars; one submission).

gnomAD v4.1: 1 of 1,611,496 alleles (0.000062%); highest among the groups gnomAD compares: Non-Finnish European, 0.000085%; no homozygotes.

Submission:

Ambry Genetics
Classification: Uncertain significance. Last evaluated: 2024-11-28. Review status: criteria provided, single submitter. Criteria: Ambry Variant Classification Scheme 2023. Collection method: clinical testing. Allele origin: germline.
Comment: The p.P1575L variant (also known as c.4724C>T), located in coding exon 19 of the WNK2 gene, results from a C to T substitution at nucleotide position 4724. The proline at codon 1575 is replaced by leucine, an amino acid with similar properties. This amino acid position is conserved. In addition, this alteration is predicted to be tolerated by in silico analysis. Based on the available evidence, the clinical significance of this variant remains unclear.

NM_006648.4(WNK2):c.4724C>T (p.Pro1575Leu)

Gene: WNK2 (WNK lysine deficient protein kinase 2; plus strand). Cytogenetic location: 9q22.31.
Variant type: single nucleotide variant.
Coding change: c.4724C>T on transcript NM_006648.4 (MANE Select); coding-DNA position 4724, C replaced by T.
Protein change: p.Pro1575Leu; replaces proline 1575 with leucine.
Molecular consequence: missense variant.
Genome position (GRCh38, 1-based): chr9:93,289,478, C>T. VCF-style: chr9-93289478-C-T. GRCh37 (hg19) VCF-style: chr9-96051760-C-T.
Other names: c.4835C>T, p.Pro1612Leu (NM_001282394.3); short protein forms P1575L, P1612L.
Identifiers: ClinVar variation 3470497 (VCV003470497.1).